The following is an entry in ClinVar:

ClinVar aggregate classification (germline): Uncertain significance (1 of 4 stars; one submission).

Conditions:
RAI1-related disorder. Also called: RAI1-related condition.

gnomAD v4.1: 1 of 1,613,998 alleles (0.000062%); highest among the groups gnomAD compares: East Asian, 0.0022%; no homozygotes.

Submission:

PreventionGenetics, part of Exact Sciences
Classification: Uncertain significance for RAI1-related condition. Last evaluated: 2025-10-24. Review status: criteria provided, single submitter. Criteria: ACMG Guidelines, 2015. Collection method: clinical testing. Allele origin: germline.
Comment: The RAI1 c.2296A>C variant is predicted to result in the amino acid substitution p.Thr766Pro. To our knowledge, this variant has not been reported in the literature or in a large population database (gnomAD), indicating this variant is rare. At this time, the clinical significance of this variant is uncertain due to the absence of conclusive functional and genetic evidence.

NM_030665.4(RAI1):c.2296A>C (p.Thr766Pro)

Gene: RAI1 (retinoic acid induced 1; plus strand). Cytogenetic location: 17p11.2.
Variant type: single nucleotide variant.
Coding change: c.2296A>C on transcript NM_030665.4 (MANE Select); coding-DNA position 2296, A replaced by C.
Protein change: p.Thr766Pro; replaces threonine 766 with proline.
Molecular consequence: missense variant.
Genome position (GRCh38, 1-based): chr17:17,795,244, A>C. VCF-style: chr17-17795244-A-C. GRCh37 (hg19) VCF-style: chr17-17698558-A-C.
Other names: short protein forms T766P.
Identifiers: ClinVar variation 4992145 (VCV004992145.1).
Genomic context (GRCh38, chr17:17,795,244, plus strand): 5'-TGGCCAGAGGAAAACCTGGGGGATGCTTGTCCCAGGTGGGGATTGCACCCTGGCGAGCTT[A>C]CCAAGGGCCTGGAGCAGGGTGGGAAGGCCTCAGATGGCATCAGCAAAGGGGACACCCATG-3'
Protein context (NP_109590.3, residues 756-776): PRWGLHPGEL[Thr766Pro]KGLEQGGKAS